The following is an entry in ClinVar:

NM_001165963.4(SCN1A):c.4300T>C (p.Trp1434Arg)

Genes: SCN1A (sodium voltage-gated channel alpha subunit 1; minus strand), LOC102724058 (uncharacterized LOC102724058; plus strand). Cytogenetic location: 2q24.3.
Variant type: single nucleotide variant.
Coding change: c.4300T>C on transcript NM_001165963.4 (MANE Select); coding-DNA position 4300, T replaced by C.
Protein change: p.Trp1434Arg; replaces tryptophan 1434 with arginine.
Molecular consequence: missense variant. On other transcripts: non-coding transcript variant (1).
Genome position (GRCh38, 1-based): chr2:165,999,761, A>G on the plus strand (T>C on the coding strand, the complement: SCN1A is on the minus strand). VCF-style: chr2-165999761-A-G. GRCh37 (hg19) VCF-style: chr2-166856271-A-G.
Other names: NP_001159435.1:p.(Trp1434Arg); c.4216T>C, p.Trp1406Arg (NM_001165964.3, NM_001353957.2, NM_001353958.2); c.4300T>C, p.Trp1434Arg (NM_001202435.3, NM_001353948.2); c.4267T>C, p.Trp1423Arg (NM_001353949.2, NM_001353950.2, NM_001353951.2 and 2 more transcripts); c.4264T>C, p.Trp1422Arg (NM_001353954.2, NM_001353955.2); c.4213T>C, p.Trp1405Arg (NM_001353960.2); c.1858T>C, p.Trp620Arg (NM_001353961.2); short protein forms W1423R, W1434R, W1405R, W620R, W1406R, W1422R.
Identifiers: ClinVar variation 68631 (VCV000068631.50), dbSNP rs121918789, ClinGen allele CA285165.

ClinVar aggregate classification (germline): Pathogenic/Likely pathogenic. Review status: criteria provided, multiple submitters, no conflicts (2 of 4 stars). 5 submissions from 5 submitters: Pathogenic (3); Likely pathogenic (1). 1 of the submissions does not count toward it. Last evaluated 2022-09-01.

Conditions:
Early-infantile DEE. Also called: Ohtahara syndrome; Early infantile epileptic encephalopathy with suppression bursts; Early infantile epileptic encephalopathy. Identifiers: Orphanet 1934, MedGen C0393706, MONDO:0800491.
Generalized epilepsy with febrile seizures plus, type 2 (GEFSP2). Also called: GEFS+, TYPE 2. Identifiers: Orphanet 36387, MedGen C1858673, MONDO:0011461, OMIM 604403.
Severe myoclonic epilepsy in infancy (DRVT). Also called: DEVELOPMENTAL AND EPILEPTIC ENCEPHALOPATHY 6A; Severe Myoclonic Epilepsy in Infancy (SMEI); Epileptic encephalopathy, early infantile, 6 (Dravet syndrome); SEVERE MYOCLONIC EPILEPSY OF INFANCY; Dravet syndrome. Identifiers: Orphanet 33069, MedGen C0751122, MONDO:0100135, OMIM 607208.

Submissions (5):

Labcorp Genetics (formerly Invitae), Labcorp
Classification: Pathogenic for Early-infantile DEE. Last evaluated: 2022-09-01. Review status: criteria provided, single submitter. Criteria: Invitae Variant Classification Sherloc (09022015). Collection method: clinical testing. Allele origin: germline.
Comment: For these reasons, this variant has been classified as Pathogenic. Advanced modeling of protein sequence and biophysical properties (such as structural, functional, and spatial information, amino acid conservation, physicochemical variation, residue mobility, and thermodynamic stability) performed at Invitae indicates that this missense variant is expected to disrupt SCN1A protein function. ClinVar contains an entry for this variant (Variation ID: 68631). This missense change has been observed in individual(s) with Dravet syndrome (PMID: 12754708, 18076640). In at least one individual the variant was observed to be de novo. This variant is not present in population databases (gnomAD no frequency). This sequence change replaces tryptophan, which is neutral and slightly polar, with arginine, which is basic and polar, at codon 1434 of the SCN1A protein (p.Trp1434Arg).

Unidad de Genómica Garrahan, Hospital de Pediatría Garrahan
Classification: Likely pathogenic for Severe myoclonic epilepsy in infancy. Last evaluated: 2021-01-01. Review status: criteria provided, single submitter. Criteria: ACMG Guidelines, 2015. Collection method: clinical testing. Allele origin: de novo. Affected: yes. Observed: 1 variant allele.
Comment: PM1, PM2, PM6, PP2, PP3.

Institute of Human Genetics, University of Leipzig Medical Center
Classification: Pathogenic for Generalized epilepsy with febrile seizures plus, type 2. Last evaluated: 2018-03-05. Review status: criteria provided, single submitter. Criteria: ACMG Guidelines, 2015. Collection method: clinical testing. Allele origin: germline. Affected: yes. Observed: 2 variant alleles.

CeGaT Center for Human Genetics Tuebingen
Classification: Pathogenic. Last evaluated: 2016-11-01. Review status: criteria provided, single submitter. Criteria: CeGaT Center For Human Genetics Tuebingen Variant Classification Criteria Version 2. Collection method: clinical testing. Allele origin: germline. Affected: yes. Observed: 1 variant allele.

UniProtKB/Swiss-Prot
No classification provided. Condition: Severe myoclonic epilepsy in infancy. Review status: no classification provided. Collection method: not provided. Allele origin: not provided. Not counted in ClinVar's aggregate classification.

Literature cited by the submitters: PubMed 12754708 (cited by Labcorp Genetics (formerly Invitae), Labcorp); PubMed 18076640 (cited by Labcorp Genetics (formerly Invitae), Labcorp); DOI 10.1055/s-0044-1786365 (cited by Unidad de Genómica Garrahan, Hospital de Pediatría Garrahan).